The following is an entry in ClinVar:

Conditions:
Breast-ovarian cancer, familial, susceptibility to, 1 (BROVCA1). Also called: BRCA1 Hereditary Breast and Ovarian Cancer; OVARIAN CANCER, SUSCEPTIBILITY TO. Identifiers: Orphanet 145, MedGen C2676676, MONDO:0011450, OMIM 604370. Disease mechanism: loss of function.

Submission:

Brotman Baty Institute, University of Washington
No classification provided (evidence only). Condition: Breast-ovarian cancer, familial 1. Review status: no classification provided. Collection method: in vitro. Allele origin: not applicable. Functional consequence: functionally_normal.
ClinVar note: "not provided" was previously submitted as the classification for the variant. However, the classification appeared to be based only on an observation of functional data so it was converted to no classification on 2025-07-30.

NM_007294.4(BRCA1):c.256C>A (p.Leu86Ile)

Gene: BRCA1 (BRCA1 DNA repair associated; minus strand). Cytogenetic location: 17q21.31.
Variant type: single nucleotide variant.
Coding change: c.256C>A on transcript NM_007294.4 (MANE Select); coding-DNA position 256, C replaced by A.
Protein change: p.Leu86Ile; replaces leucine 86 with isoleucine.
Molecular consequence: missense variant. On other transcripts: non-coding transcript variant (1).
Genome position (GRCh38, 1-based): chr17:43,104,913, G>T on the plus strand (C>A on the coding strand, the complement: BRCA1 is on the minus strand). VCF-style: chr17-43104913-G-T. GRCh37 (hg19) VCF-style: chr17-41256930-G-T.
Other names: c.256C>A, p.Leu86Ile (NM_001407969.1, NM_001407970.1, NM_001407971.1 and 168 more transcripts); c.178C>A, p.Leu60Ile (NM_001408409.1, NM_001408411.1, NM_001408412.1 and 21 more transcripts); c.115C>A, p.Leu39Ile (NM_001408410.1, NM_001408452.1, NM_001408453.1 and 99 more transcripts); c.124C>A, p.Leu42Ile (NM_001408451.1); c.46C>A, p.Leu16Ile (NM_001408478.1, NM_001408479.1, NM_001408480.1 and 58 more transcripts); c.-126C>A (NM_001407959.1, NM_001407960.1, NM_001407962.1 and 4 more transcripts); short protein forms L39I, L86I, L42I, L60I, L16I.
Identifiers: ClinVar variation 865335 (VCV000865335.3), dbSNP rs2054684036, ClinGen allele CA10601643.